The following is an entry in ClinVar:

ClinVar aggregate classification (germline): Uncertain significance. Review status: criteria provided, multiple submitters, no conflicts (2 of 4 stars). 5 submissions from 5 submitters: Uncertain significance (5). Last evaluated 2025-10-06.

Conditions:
Juvenile polyposis syndrome (JPS). Identifiers: Orphanet 2929, MedGen C0345893, MONDO:0017380, OMIM 174900.
Hereditary cancer-predisposing syndrome. Also called: Neoplastic Syndromes, Hereditary; Hereditary Cancer Syndrome; Hereditary neoplastic syndrome; Tumor predisposition. Identifiers: Orphanet 140162, MedGen C0027672, MeSH D009386, MONDO:0015356.
Familial thoracic aortic aneurysm and aortic dissection (TAAD). Also called: Thoracic aortic aneurysms and dissections. Identifiers: Orphanet 91387, MedGen C4707243, MONDO:0019625.

Submissions (5):

Labcorp Genetics (formerly Invitae), Labcorp
Classification: Uncertain significance for Juvenile polyposis syndrome. Last evaluated: 2025-10-06. Review status: criteria provided, single submitter. Criteria: Invitae Variant Classification Sherloc (09022015). Collection method: clinical testing. Allele origin: germline.
Comment: This sequence change replaces isoleucine, which is neutral and non-polar, with valine, which is neutral and non-polar, at codon 376 of the SMAD4 protein (p.Ile376Val). This variant is not present in population databases (gnomAD no frequency). This variant has not been reported in the literature in individuals affected with SMAD4-related conditions. ClinVar contains an entry for this variant (Variation ID: 460525). Invitae Evidence Modeling of protein sequence and biophysical properties (such as structural, functional, and spatial information, amino acid conservation, physicochemical variation, residue mobility, and thermodynamic stability) has been performed for this missense variant. However, the output from this modeling did not meet the statistical confidence thresholds required to predict the impact of this variant on SMAD4 protein function. In summary, the available evidence is currently insufficient to determine the role of this variant in disease. Therefore, it has been classified as a Variant of Uncertain Significance.

Ambry Genetics
Classification: Uncertain significance for Hereditary cancer-predisposing syndrome; Familial thoracic aortic aneurysm and aortic dissection. Last evaluated: 2025-05-29. Review status: criteria provided, single submitter. Criteria: Ambry Variant Classification Scheme 2023. Collection method: clinical testing. Allele origin: germline.
Comment: The p.I376V variant (also known as c.1126A>G), located in coding exon 8 of the SMAD4 gene, results from an A to G substitution at nucleotide position 1126. The isoleucine at codon 376 is replaced by valine, an amino acid with highly similar properties. This amino acid position is highly conserved in available vertebrate species. In addition, the in silico prediction for this alteration is inconclusive. Based on the available evidence, the clinical significance of this variant remains unclear.

Blueprint Genetics
Classification: Uncertain significance. Last evaluated: 2024-05-28. Review status: criteria provided, single submitter. Criteria: ACMG Guidelines, 2015. Collection method: clinical testing. Allele origin: germline.

Color Diagnostics, LLC DBA Color Health
Classification: Uncertain significance for Hereditary cancer-predisposing syndrome. Last evaluated: 2024-03-06. Review status: criteria provided, single submitter. Criteria: ACMG Guidelines, 2015. Collection method: clinical testing. Allele origin: germline.
Comment: This missense variant replaces isoleucine with valine at codon 376 of the SMAD4 protein. Computational prediction tool is inconclusive regarding the impact of this variant on protein structure and function (internally defined REVEL score threshold 0.5 < inconclusive < 0.7, PMID: 27666373). Splice site prediction tools suggest that this variant may not impact RNA splicing. To our knowledge, functional studies have not been performed for this variant. This variant has not been reported in individuals affected with hereditary cancer in the literature. This variant has not been identified in the general population by the Genome Aggregation Database (gnomAD). The available evidence is insufficient to determine the role of this variant in disease conclusively. Therefore, this variant is classified as a Variant of Uncertain Significance.

GeneDx
Classification: Uncertain significance. Last evaluated: 2019-03-15. Review status: criteria provided, single submitter. Criteria: GeneDx Variant Classification Process June 2021. Collection method: clinical testing. Allele origin: germline. Affected: yes.
Comment: Not observed in large population cohorts (Lek et al., 2016); In silico analysis, which includes protein predictors and evolutionary conservation, supports that this variant does not alter protein structure/function; Reported in ClinVar but additional evidence is not available (ClinVar Variant ID# 460525; Landrum et al., 2016)

NM_005359.6(SMAD4):c.1126A>G (p.Ile376Val)

Gene: SMAD4 (SMAD family member 4; plus strand). Cytogenetic location: 18q21.2.
Variant type: single nucleotide variant.
Coding change: c.1126A>G on transcript NM_005359.6 (MANE Select); coding-DNA position 1126, A replaced by G.
Protein change: p.Ile376Val; replaces isoleucine 376 with valine.
Molecular consequence: missense variant.
Genome position (GRCh38, 1-based): chr18:51,065,593, A>G. VCF-style: chr18-51065593-A-G. GRCh37 (hg19) VCF-style: chr18-48591963-A-G.
Other names: short protein forms I376V.
Identifiers: ClinVar variation 460525 (VCV000460525.18), dbSNP rs1555686501, ClinGen allele CA402464568.